The following is an entry in ClinVar:

ClinVar aggregate classification (germline): Pathogenic (1 of 4 stars; one submission).

Conditions:
Aortic valve disease 2 (AOVD2). Identifiers: MedGen C3542024, MONDO:0013902, OMIM 614823.

Submission:

Labcorp Genetics (formerly Invitae), Labcorp
Classification: Pathogenic for Aortic valve disease 2. Last evaluated: 2025-12-22. Review status: criteria provided, single submitter. Criteria: Invitae Variant Classification Sherloc (09022015). Collection method: clinical testing. Allele origin: germline.
Comment: This sequence change affects an acceptor splice site in intron 5 of the TBX5 gene. It is expected to disrupt RNA splicing. Variants that disrupt the donor or acceptor splice site typically lead to a loss of protein function (PMID: 16199547), and loss-of-function variants in TBX5 are known to be pathogenic (PMID: 16183809, 16917909). This variant is not present in population databases (gnomAD no frequency). Disruption of this splice site has been observed in individual(s) with Holt-Oram syndrome (internal data). It has also been observed to segregate with disease in related individuals. Algorithms developed to predict the effect of sequence changes on RNA splicing suggest that this variant may disrupt the consensus splice site. For these reasons, this variant has been classified as Pathogenic.

Literature cited by the submitters: PubMed 16199547; PubMed 16183809; PubMed 16917909.

NM_181486.4(TBX5):c.511-2A>C

Gene: TBX5 (T-box transcription factor 5; minus strand). Cytogenetic location: 12q24.21.
Variant type: single nucleotide variant.
Coding change: c.511-2A>C on transcript NM_181486.4 (MANE Select); the canonical splice acceptor site of the intron before coding-DNA position 511, A replaced by C.
Molecular consequence: splice acceptor variant.
Genome position (GRCh38, 1-based): chr12:114,394,895, T>G on the plus strand (A>C on the coding strand, the complement: TBX5 is on the minus strand). VCF-style: chr12-114394895-T-G. GRCh37 (hg19) VCF-style: chr12-114832700-T-G.
Other names: c.361-2A>C (NM_080717.4); c.511-2A>C (NM_000192.3).
Identifiers: ClinVar variation 4733844 (VCV004733844.1).